The following is an entry in ClinVar:

NM_001130438.3(SPTAN1):c.7072C>T (p.Arg2358Cys)

Gene: SPTAN1 (spectrin alpha, non-erythrocytic 1; plus strand). Cytogenetic location: 9q34.11.
Variant type: single nucleotide variant.
Coding change: c.7072C>T on transcript NM_001130438.3 (MANE Select); coding-DNA position 7072, C replaced by T.
Protein change: p.Arg2358Cys; replaces arginine 2358 with cysteine.
Molecular consequence: missense variant.
Genome position (GRCh38, 1-based): chr9:128,632,630, C>T. VCF-style: chr9-128632630-C-T. GRCh37 (hg19) VCF-style: chr9-131394909-C-T.
Other names: c.6997C>T, p.Arg2333Cys (NM_001195532.2); c.7135C>T, p.Arg2379Cys (NM_001363759.2); c.7012C>T, p.Arg2338Cys (NM_001363765.2, NM_001375314.2); c.7159C>T, p.Arg2387Cys (NM_001375310.1); c.7072C>T, p.Arg2358Cys (NM_001375311.2); c.7108C>T, p.Arg2370Cys (NM_001375312.2); c.7054C>T, p.Arg2352Cys (NM_001375313.1); c.7171C>T, p.Arg2391Cys (NM_001375318.1); and 2 more; short protein forms R2352C, R2353C, R2358C, R2370C, R2379C, R2391C, R2338C, R2333C.
Identifiers: ClinVar variation 1495892 (VCV001495892.8), dbSNP rs772463904, ClinGen allele CA5266002.

ClinVar aggregate classification (germline): Uncertain significance. Review status: criteria provided, multiple submitters, no conflicts (2 of 4 stars). 2 submissions from 2 submitters: Uncertain significance (2). Last evaluated 2025-10-16.

Conditions:
Early-infantile DEE. Also called: Early infantile epileptic encephalopathy; Early infantile epileptic encephalopathy with suppression bursts; Ohtahara syndrome. Identifiers: Orphanet 1934, MedGen C0393706, MONDO:0800491.
Inborn genetic diseases. Identifiers: MedGen C0950123, MeSH D030342.

Allele frequency attached by ClinVar (database versions not stated): gnomAD exomes below 0.00001 and 0.00001; ExAC 0.00001; TOPMed 0.00001.
gnomAD v4.1: 9 of 1,614,056 alleles (0.00056%); highest among the groups gnomAD compares: Non-Finnish European, 0.00076%; no homozygotes.

Submissions (2):

Labcorp Genetics (formerly Invitae), Labcorp
Classification: Uncertain significance for Early-infantile DEE. Last evaluated: 2025-10-16. Review status: criteria provided, single submitter. Criteria: Invitae Variant Classification Sherloc (09022015). Collection method: clinical testing. Allele origin: germline.
Comment: This sequence change replaces arginine, which is basic and polar, with cysteine, which is neutral and slightly polar, at codon 2358 of the SPTAN1 protein (p.Arg2358Cys). This variant is present in population databases (rs772463904, gnomAD 0.0009%). This variant has not been reported in the literature in individuals affected with SPTAN1-related conditions. ClinVar contains an entry for this variant (Variation ID: 1495892). Invitae Evidence Modeling of protein sequence and biophysical properties (such as structural, functional, and spatial information, amino acid conservation, physicochemical variation, residue mobility, and thermodynamic stability) has been performed for this missense variant. However, the output from this modeling did not meet the statistical confidence thresholds required to predict the impact of this variant on SPTAN1 protein function. In summary, the available evidence is currently insufficient to determine the role of this variant in disease. Therefore, it has been classified as a Variant of Uncertain Significance.

Ambry Genetics
Classification: Uncertain significance for Inborn genetic diseases. Last evaluated: 2021-04-20. Review status: criteria provided, single submitter. Criteria: Ambry Variant Classification Scheme 2023. Collection method: clinical testing. Allele origin: germline.